The following is an entry in ClinVar:

NM_000455.5(STK11):c.956C>T (p.Pro319Leu)

Gene: STK11 (serine/threonine kinase 11; plus strand). Cytogenetic location: 19p13.3.
Variant type: single nucleotide variant.
Coding change: c.956C>T on transcript NM_000455.5 (MANE Select); coding-DNA position 956, C replaced by T.
Protein change: p.Pro319Leu; replaces proline 319 with leucine.
Molecular consequence: missense variant.
Genome position (GRCh38, 1-based): chr19:1,223,020, C>T. VCF-style: chr19-1223020-C-T. GRCh37 (hg19) VCF-style: chr19-1223019-C-T.
Other names: short protein forms P319L.
Identifiers: ClinVar variation 823338 (VCV000823338.13), dbSNP rs1181445340, ClinGen allele CA402951535.

ClinVar aggregate classification (germline): Conflicting classifications of pathogenicity. Review status: criteria provided, conflicting classifications (1 of 4 stars). 3 submissions from 3 submitters: Uncertain significance (2); Likely benign (1). Last evaluated 2025-11-09.

Conditions:
Hereditary cancer-predisposing syndrome. Also called: Hereditary Cancer Syndrome; Neoplastic Syndromes, Hereditary; Hereditary neoplastic syndrome; Tumor predisposition. Identifiers: Orphanet 140162, MedGen C0027672, MeSH D009386, MONDO:0015356.
Peutz-Jeghers syndrome (PJS). Also called: Peutz-Jeghers polyposis; Periorificial lentiginosis syndrome; POLYPOSIS, HAMARTOMATOUS INTESTINAL; POLYPS-AND-SPOTS SYNDROME. Identifiers: Orphanet 2869, MedGen C0031269, MeSH D010580, MONDO:0008280, OMIM 175200.

Allele frequency attached by ClinVar (database versions not stated): gnomAD exomes below 0.00001.

Submissions (3):

Labcorp Genetics (formerly Invitae), Labcorp
Classification: Uncertain significance for Peutz-Jeghers syndrome. Last evaluated: 2025-11-09. Review status: criteria provided, single submitter. Criteria: Invitae Variant Classification Sherloc (09022015). Collection method: clinical testing. Allele origin: germline.
Comment: This sequence change replaces proline, which is neutral and non-polar, with leucine, which is neutral and non-polar, at codon 319 of the STK11 protein (p.Pro319Leu). This variant is present in population databases (no rsID available, gnomAD 0.001%). This variant has not been reported in the literature in individuals affected with STK11-related conditions. ClinVar contains an entry for this variant (Variation ID: 823338). Invitae Evidence Modeling of protein sequence and biophysical properties (such as structural, functional, and spatial information, amino acid conservation, physicochemical variation, residue mobility, and thermodynamic stability) indicates that this missense variant is not expected to disrupt STK11 protein function with a negative predictive value of 95%. In summary, the available evidence is currently insufficient to determine the role of this variant in disease. Therefore, it has been classified as a Variant of Uncertain Significance.

GeneDx
Classification: Uncertain significance. Last evaluated: 2024-05-17. Review status: criteria provided, single submitter. Criteria: GeneDx Variant Classification Process June 2021. Collection method: clinical testing. Allele origin: germline. Affected: yes.
Comment: Not observed at significant frequency in large population cohorts (gnomAD); In silico analysis indicates that this missense variant does not alter protein structure/function; Has not been previously published as pathogenic or benign to our knowledge; This variant is associated with the following publications: (PMID: 28900777)

Ambry Genetics
Classification: Likely benign for Hereditary cancer-predisposing syndrome. Last evaluated: 2018-11-08. Review status: criteria provided, single submitter. Criteria: Ambry Variant Classification Scheme 2023. Collection method: clinical testing. Allele origin: germline.